The following is an entry in ClinVar:

ClinVar aggregate classification (germline): Conflicting classifications of pathogenicity. Review status: criteria provided, conflicting classifications (1 of 4 stars). 3 submissions from 3 submitters: Likely pathogenic (2); Uncertain significance (1). Last evaluated 2026-01-25.

Conditions:
Autosomal recessive titinopathy. Identifiers: MedGen CN315649, MONDO:0100493.
Dilated cardiomyopathy 1G (CMD1G). Identifiers: Orphanet 154, MedGen C1858763, MONDO:0011400, OMIM 604145.
Autosomal recessive limb-girdle muscular dystrophy type 2J (LGMDR10). Also called: Limb-girdle muscular dystrophy, type 2J; MUSCULAR DYSTROPHY, LIMB-GIRDLE, AUTOSOMAL RECESSIVE 10. Identifiers: Orphanet 140922, MedGen C1837342, MONDO:0012127, OMIM 608807.

Allele frequency attached by ClinVar (database versions not stated): TOPMed 0.00001.
gnomAD v4.1: 6 of 1,600,552 alleles (0.00037%); highest among the groups gnomAD compares: Non-Finnish European, 0.00051%; no homozygotes.

Submissions (3):

Labcorp Genetics (formerly Invitae), Labcorp
Classification: Likely pathogenic for Dilated cardiomyopathy 1G; Autosomal recessive limb-girdle muscular dystrophy type 2J. Last evaluated: 2026-01-25. Review status: criteria provided, single submitter. Criteria: Invitae Variant Classification Sherloc (09022015). Collection method: clinical testing. Allele origin: germline.
Comment: This sequence change affects a donor splice site in intron 209 of the TTN gene. It is expected to disrupt RNA splicing and likely results in a truncated or disrupted TTN protein. This variant is not present in population databases (gnomAD no frequency). This variant has not been observed in the literature in individuals with autosomal recessive TTN-related conditions. This variant has been reported in individual(s) with clinical features of dilated cardiomyopathy (internal data); however, the role of the variant in this condition is currently unclear. ClinVar contains an entry for this variant (Variation ID: 2445965). Algorithms developed to predict the effect of sequence changes on RNA splicing suggest that this variant may disrupt the consensus splice site. This variant is located in the I band of TTN (PMID: 25589632). Truncating variants in this region have been reported in individuals affected with autosomal recessive centronuclear myopathy (PMID: 23975875, internal data). Truncating variants in this region have also been identified in individuals affected with autosomal dominant dilated cardiomyopathy and/or cardio-related conditions (PMID: 27869827, 32964742, internal data). In summary, the currently available evidence indicates that the variant is pathogenic, but additional data are needed to prove that conclusively. Therefore, this variant has been classified as Likely Pathogenic.

CeGaT Center for Human Genetics Tuebingen
Classification: Uncertain significance. Last evaluated: 2025-12-01. Review status: criteria provided, single submitter. Criteria: CeGaT Center For Human Genetics Tuebingen Variant Classification Criteria Version 2. Collection method: clinical testing. Allele origin: germline. Affected: yes. Observed: 1 variant allele.
Comment: TTN: PM2, PVS1:Moderate

Women's Health and Genetics/Laboratory Corporation of America, LabCorp
Classification: Likely pathogenic for Autosomal recessive titinopathy. Last evaluated: 2025-01-16. Review status: criteria provided, single submitter. Criteria: LabCorp Variant Classification Summary - May 2015. Collection method: clinical testing. Allele origin: germline.
Comment: Variant summary: TTN NM_133378: c.32407+1G>A (also known as NM_0001267550: c.39709+1G>A) is located in a canonical splice-site and is predicted to affect mRNA splicing resulting in a significantly altered protein due to either exon skipping, shortening, or inclusion of intronic material. Variants that disrupt the consensus splice site are a relatively common cause of aberrant splicing and loss of TTN function. Several computational tools predict a significant impact on normal splicing: Four predict the variant abolishes a 5' donor site. However, these predictions have yet to be confirmed by functional studies. Loss of function variants in all TTN bands are strongly associated with a spectrum of autosomal recessive titinopathies when exon expression (proportion spliced in, PSI, 1=complete expression) in skeletal muscle is >0.1 (PMID: 36977548, 39198997, 29598826, 32778822, 29691892, 33449170, 36977548, internal data). In contrast, loss of function variants in all TTN bands are only strongly associated with autosomal dominant TTN-related cardiomyopathies if located in exons constitutively expressed (PSI >0.9) in cardiac muscle, excluding extreme C-terminal exons 359-363 (PMID: 25589632, 31216868, 32964742, 34662387, 27869827, Shetty et al., Nat Cardiovasc Res 2024,, internal data). This variant has a maximum skeletal muscle PSI of 0.882 and a maximum cardiac muscle PSI of 0.171. The variant was absent in 231022 control chromosomes. This variant was observed in at least 1 individual in the presumed heterozygous state in the literature in association with arrhythmogenic cardiomyopathy (e.g. Murphy_2024) without strong evidence for causality. To our knowledge, no experimental evidence demonstrating its impact on protein function have been reported. The following publication has been ascertained in the context of this evaluation (PMID: 38489124). ClinVar contains an entry for this variant (Variation ID: 2445965). Based on the evidence outlined above, the variant was classified as likely pathogenic for autosomal recessive TTN-related conditions.

Literature cited by the submitters: PubMed 25589632 (cited by Labcorp Genetics (formerly Invitae), Labcorp); PubMed 23975875 (cited by Labcorp Genetics (formerly Invitae), Labcorp); PubMed 27869827 (cited by Labcorp Genetics (formerly Invitae), Labcorp); PubMed 32964742 (cited by Labcorp Genetics (formerly Invitae), Labcorp); PubMed 38489124 (cited by Women's Health and Genetics/Laboratory Corporation of America, LabCorp).

NM_001267550.2(TTN):c.39709+1G>A

Gene: TTN (titin; minus strand). Cytogenetic location: 2q31.2.
Variant type: single nucleotide variant.
Coding change: c.39709+1G>A on transcript NM_001267550.2 (MANE Select); the canonical splice donor site of the intron after coding-DNA position 39709, G replaced by A.
Molecular consequence: splice donor variant. On other transcripts: intron variant (3).
Genome position (GRCh38, 1-based): chr2:178,650,750, C>T on the plus strand (G>A on the coding strand, the complement: TTN is on the minus strand). VCF-style: chr2-178650750-C-T. GRCh37 (hg19) VCF-style: chr2-179515477-C-T.
Other names: c.13283-8433G>A (NM_003319.4); c.13859-8433G>A (NM_133437.4); c.13658-8433G>A (NM_133432.3); c.32407+1G>A (NM_133378.4); c.35188+1G>A (NM_001256850.1).
Identifiers: ClinVar variation 2445965 (VCV002445965.11), dbSNP rs1576940155, ClinGen allele CA349452480.